The following is an entry in ClinVar:

ClinVar aggregate classification (germline): Uncertain significance (1 of 4 stars; one submission).

Conditions:
Schneckenbecken dysplasia. Identifiers: Orphanet 3144, MedGen C0432194, MONDO:0010013, OMIM 269250.

Submission:

Neuberg Centre For Genomic Medicine, NCGM
Classification: Uncertain significance for Schneckenbecken dysplasia. Review status: criteria provided, single submitter. Criteria: ACMG Guidelines, 2015. Collection method: clinical testing. Allele origin: germline. Inheritance: Autosomal recessive inheritance. Affected: yes.
Comment: The missense variant c.575T>Cp.Leu192Pro in SLC35D1 gene has not been reported previously as a pathogenic variant nor as a benign variant, to our knowledge. The variant is novel not in any individuals in gnomAD Exomes and 1000 Genomes. The amino acid Leucine at position 192 is changed to a Proline changing protein sequence and it might alter its composition and physico-chemical properties. The variant is predicted to be damaging by SIFT. The amino acid change p.Leu192Pro in SLC35D1 is predicted as conserved by GERP++ and PhyloP across 100 vertebrates. For these reasons, this variant has been classified as Uncertain Significance.

NM_015139.3(SLC35D1):c.575T>C (p.Leu192Pro)

Gene: SLC35D1 (solute carrier family 35 member D1; minus strand). Cytogenetic location: 1p31.3.
Variant type: single nucleotide variant.
Coding change: c.575T>C on transcript NM_015139.3 (MANE Select); coding-DNA position 575, T replaced by C.
Protein change: p.Leu192Pro; replaces leucine 192 with proline.
Molecular consequence: missense variant.
Genome position (GRCh38, 1-based): chr1:67,047,326, A>G on the plus strand (T>C on the coding strand, the complement: SLC35D1 is on the minus strand). VCF-style: chr1-67047326-A-G. GRCh37 (hg19) VCF-style: chr1-67513009-A-G.
Other names: short protein forms L192P.
Identifiers: ClinVar variation 3234982 (VCV003234982.1), dbSNP rs1335018159, ClinGen allele CA340704594.
Genomic context (GRCh38, chr1:67,047,326, plus strand): 5'-TTTGAATCTAATTTTTGTTTTACGTATGCACCATTTGCTGCTGTTAGGACATCGTTTATC[A>G]GAATAAAAGCATATCCTTCCAGATCAAATGCCAAGTCAGAGCTGCAAAACATAAGCAACA-3'
Protein context (NP_055954.1, residues 182-202): AFDLEGYAFI[Leu192Pro]INDVLTAANG